The following is an entry in ClinVar:

ClinVar aggregate classification (germline): Benign/Likely benign. Review status: criteria provided, multiple submitters, no conflicts (2 of 4 stars). 11 submissions from 11 submitters: Benign (3); Likely benign (8). Last evaluated 2025-09-17.

Conditions:
MSH6-related disorder. Also called: MSH6-related condition; MSH6-Related disorders.
Hereditary nonpolyposis colorectal neoplasms. Identifiers: MedGen C0009405, MeSH D003123.
Endometrial carcinoma. Also called: Endometrial carcinoma, somatic. Identifiers: MedGen C0476089, MONDO:0002447, OMIM 608089, HP:0012114.
Lynch syndrome 5 (LYNCH5). Also called: Colorectal cancer, hereditary nonpolyposis, type 5; Hereditary non-polyposis colorectal cancer, type 5. Identifiers: Orphanet 144, MedGen C1833477, MONDO:0013710, OMIM 614350. Disease mechanism: loss of function.
Mismatch repair cancer syndrome 3. Identifiers: MedGen C5436807, MONDO:0030841, OMIM 619097.
Breast and/or ovarian cancer. Identifiers: MedGen CN221562.
Hereditary cancer-predisposing syndrome. Also called: Neoplastic Syndromes, Hereditary; Tumor predisposition; Hereditary neoplastic syndrome; Hereditary Cancer Syndrome. Identifiers: Orphanet 140162, MedGen C0027672, MeSH D009386, MONDO:0015356.
Lynch syndrome. Identifiers: Orphanet 144, MedGen C4552100, MONDO:0005835. Disease mechanism: loss of function.

Allele frequency attached by ClinVar (database versions not stated): TOPMed below 0.00001; gnomAD 0.00001; gnomAD exomes 0.00001.
gnomAD v4.1: 25 of 1,613,794 alleles (0.0015%); highest among the groups gnomAD compares: Middle Eastern, 0.016%; no homozygotes.

Submissions (11):

Labcorp Genetics (formerly Invitae), Labcorp
Classification: Benign for Hereditary nonpolyposis colorectal neoplasms. Last evaluated: 2025-09-17. Review status: criteria provided, single submitter. Criteria: Invitae Variant Classification Sherloc (09022015). Collection method: clinical testing. Allele origin: germline.

PreventionGenetics, part of Exact Sciences
Classification: Likely benign for MSH6-related condition. Last evaluated: 2025-06-13. Review status: criteria provided, single submitter. Criteria: ACMG Guidelines, 2015. Collection method: clinical testing. Allele origin: germline.
Comment: This variant is classified as likely benign based on ACMG/AMP sequence variant interpretation guidelines (Richards et al. 2015 PMID: 25741868, with internal and published modifications).

Myriad Genetics, Inc.
Classification: Benign for Lynch syndrome 5. Last evaluated: 2025-01-07. Review status: criteria provided, single submitter. Criteria: Myriad Autosomal Dominant, Autosomal Recessive and X-Linked Classification Criteria (2023). Collection method: clinical testing. Allele origin: unknown.
Comment: This variant is considered benign. This variant is a silent/synonymous amino acid change and it is not expected to impact splicing.

Quest Diagnostics Nichols Institute San Juan Capistrano
Classification: Likely benign. Last evaluated: 2023-11-30. Review status: criteria provided, single submitter. Criteria: Quest Diagnostics criteria. Collection method: clinical testing. Allele origin: unknown.

Blueprint Genetics
Classification: Likely benign. Last evaluated: 2023-09-04. Review status: criteria provided, single submitter. Criteria: ACMG Guidelines, 2015. Collection method: clinical testing. Allele origin: germline.

All of Us Research Program, National Institutes of Health
Classification: Likely benign for Lynch syndrome. Last evaluated: 2023-04-03. Review status: criteria provided, single submitter. Criteria: ACMG Guidelines, 2015. Collection method: clinical testing. Allele origin: germline. Inheritance: Autosomal dominant inheritance. Observed: 2 variant alleles, 2 heterozygotes.
Comment: This study involves interpretation of variants in research participants for the purpose of population health screening. Participant phenotype was not available at the time of variant classification. Additional details can be found in publication PMID: 35346344, PMCID: PMC8962531

CHEO Genetics Diagnostic Laboratory, Children's Hospital of Eastern Ontario
Classification: Likely benign for Breast and/or ovarian cancer. Last evaluated: 2023-01-04. Review status: criteria provided, single submitter. Criteria: ACMG Guidelines, 2015. Collection method: clinical testing. Allele origin: germline.

Department of Pathology and Laboratory Medicine, Sinai Health System
Classification: Likely benign for Endometrial carcinoma; Lynch syndrome 5; Mismatch repair cancer syndrome 3. Last evaluated: 2020-11-06. Review status: criteria provided, single submitter. Criteria: ACMG Guidelines, 2015. Collection method: clinical testing. Allele origin: germline. Affected: no.

Color Diagnostics, LLC DBA Color Health
Classification: Likely benign for Hereditary cancer-predisposing syndrome. Last evaluated: 2017-08-02. Review status: criteria provided, single submitter. Criteria: ACMG Guidelines, 2015. Collection method: clinical testing. Allele origin: germline.

Ambry Genetics
Classification: Likely benign for Hereditary cancer-predisposing syndrome. Last evaluated: 2016-04-27. Review status: criteria provided, single submitter. Criteria: Ambry Variant Classification Scheme 2023. Collection method: clinical testing. Allele origin: germline.

GeneDx
Classification: Benign. Last evaluated: 2014-10-03. Review status: criteria provided, single submitter. Criteria: GeneDx Variant Classification (06012015). Collection method: clinical testing. Allele origin: germline. Affected: yes.
Comment: This variant is considered likely benign or benign based on one or more of the following criteria: it is a conservative change, it occurs at a poorly conserved position in the protein, it is predicted to be benign by multiple in silico algorithms, and/or has population frequency not consistent with disease.

NM_000179.3(MSH6):c.3675G>A (p.Thr1225=)

Gene: MSH6 (mutS homolog 6; plus strand). Cytogenetic location: 2p16.3.
Variant type: single nucleotide variant.
Coding change: c.3675G>A on transcript NM_000179.3 (MANE Select); coding-DNA position 3675, G replaced by A.
Protein change: p.Thr1225=; no amino-acid change (threonine 1225 retained).
Molecular consequence: synonymous variant.
Genome position (GRCh38, 1-based): chr2:47,806,232, G>A. VCF-style: chr2-47806232-G-A. GRCh37 (hg19) VCF-style: chr2-48033371-G-A.
Other names: p.T1225T:ACG>ACA; c.3285G>A, p.Thr1095= (NM_001281492.2); c.2769G>A, p.Thr923= (NM_001281493.2, NM_001281494.2).
Identifiers: ClinVar variation 182670 (VCV000182670.28), dbSNP rs730881820, ClinGen allele CA013776.